The following is an entry in ClinVar:

NM_138694.4(PKHD1):c.1117A>C (p.Arg373=)

Gene: PKHD1 (PKHD1 ciliary IPT domain containing fibrocystin/polyductin; minus strand). Cytogenetic location: 6p12.2.
Variant type: single nucleotide variant.
Coding change: c.1117A>C on transcript NM_138694.4 (MANE Select); coding-DNA position 1117, A replaced by C.
Protein change: p.Arg373=; no amino-acid change (arginine 373 retained).
Molecular consequence: synonymous variant.
Genome position (GRCh38, 1-based): chr6:52,062,520, T>G on the plus strand (A>C on the coding strand, the complement: PKHD1 is on the minus strand). VCF-style: chr6-52062520-T-G. GRCh37 (hg19) VCF-style: chr6-51927318-T-G.
Other names: c.1117A>C, p.Arg373= (NM_170724.3).
Identifiers: ClinVar variation 3346572 (VCV003346572.1).

ClinVar aggregate classification (germline): Uncertain significance (0 of 4 stars; one submission).

Conditions:
PKHD1-related disorder. Also called: PKHD1-related condition.

Submission:

PreventionGenetics, part of Exact Sciences
Classification: Uncertain significance for PKHD1-related condition. Last evaluated: 2024-05-08. Review status: no assertion criteria provided. Collection method: clinical testing. Allele origin: germline.
Comment: The PKHD1 c.1117A>C variant is not predicted to result in an amino acid change (p.=). This variant is predicted to decrease the strength of the canonical splice donor site (SpliceAI, Jaganathan et al. 2019. PubMed ID: 30661751). To our knowledge, this variant has not been reported in the literature or in a large population database, indicating this variant is rare. At this time, the clinical significance of this variant is uncertain due to the absence of conclusive functional and genetic evidence.